The following is an entry in ClinVar:

NM_001040142.2(SCN2A):c.4630A>G (p.Asn1544Asp)

Gene: SCN2A (sodium voltage-gated channel alpha subunit 2; plus strand). Cytogenetic location: 2q24.3.
Variant type: single nucleotide variant.
Coding change: c.4630A>G on transcript NM_001040142.2 (MANE Select); coding-DNA position 4630, A replaced by G.
Protein change: p.Asn1544Asp; replaces asparagine 1544 with aspartic acid.
Molecular consequence: missense variant.
Genome position (GRCh38, 1-based): chr2:165,386,824, A>G. VCF-style: chr2-165386824-A-G. GRCh37 (hg19) VCF-style: chr2-166243334-A-G.
Other names: p.N1544D:AAC>GAC; c.4630A>G, p.Asn1544Asp (NM_001040143.2, NM_001371246.1, NM_001371247.1 and 1 more transcripts); short protein forms N1544D.
Identifiers: ClinVar variation 207011 (VCV000207011.2), dbSNP rs796053149, ClinGen allele CA317994.

ClinVar aggregate classification (germline): Likely pathogenic (1 of 4 stars; one submission).

Submission:

GeneDx
Classification: Likely pathogenic. Last evaluated: 2014-01-17. Review status: criteria provided, single submitter. Criteria: GeneDx Variant Classification (06012015). Collection method: clinical testing. Allele origin: germline. Affected: yes.
Comment: p.Asn1544Asp (AAC>GAC): c.4630 A>G in exon 26 of the SCN2A gene (NM_021007.2). The Asn1544Asp missense change in the SCN2A gene has not been published as a mutation, nor has it been reported as a benign polymorphism to our knowledge. It was not observed in approximately 6,500 individuals of European and African American ancestry in the NHLBI Exome Sequencing Project, indicating it is not a common benign variant in these populations. This variant is a non-conservative amino acid substitution of an uncharged Asparagine residue with a negatively charged Aspartic acid residue. In silico analysis predicts this variant is probably damaging to the protein structure/function. The variant alters a conserved position in the S1 subunit of the fourth transmembrane domain; however, other missense mutations associated with epilepsy have not been reported in this region of the protein to our knowledge. This variant has been observed de novo without verified parentage. The variant is found in EPILEPSY panel(s).